The following is an entry in ClinVar:

NM_021930.6(RINT1):c.2220C>A (p.Asn740Lys)

Genes: EFCAB10 (EF-hand calcium binding domain 10; minus strand), RINT1 (RAD50 interactor 1; plus strand). Cytogenetic location: 7q22.3.
Variant type: single nucleotide variant.
Coding change: c.2220C>A on transcript NM_021930.6 (MANE Select); coding-DNA position 2220, C replaced by A.
Protein change: p.Asn740Lys; replaces asparagine 740 with lysine.
Molecular consequence: missense variant. On other transcripts: 3 prime UTR variant (2), non-coding transcript variant (1), intron variant (3).
Genome position (GRCh38, 1-based): chr7:105,567,152, C>A. VCF-style: chr7-105567152-C-A. GRCh37 (hg19) VCF-style: chr7-105207599-C-A.
Other names: c.*302G>T (NM_001355527.2, NM_001355529.2); c.1986C>A, p.Asn662Lys (NM_001346599.2); c.1197C>A, p.Asn399Lys (NM_001346600.2, NM_001346603.2); c.1296C>A, p.Asn432Lys (NM_001346601.2); c.360-1705G>T (NM_001355531.2); c.383+315G>T (NM_001355526.2, NM_001355530.2); short protein forms N662K, N740K, N399K, N432K.
Identifiers: ClinVar variation 1787918 (VCV001787918.9), dbSNP rs202008558, ClinGen allele CA368815426.
Genomic context (GRCh38, chr7:105,567,152, plus strand): 5'-TTTCCCTCCTTTGTTTTCCCTAAACAGTATAAAAGAAGCCTGTATTGTTTTGAATTTGAA[C>A]GTCGGTTCTGCACTACTGCTGAAAGATGTACTGCAGTCAGCTTCAGGGCAGCTTCCTGCC-3'
Protein context (NP_068749.3, residues 730-750): IKEACIVLNL[Asn740Lys]VGSALLLKDV

ClinVar aggregate classification (germline): Uncertain significance. Review status: criteria provided, multiple submitters, no conflicts (2 of 4 stars). 2 submissions from 2 submitters: Uncertain significance (2). Last evaluated 2025-05-17.

gnomAD v4.1: 8 of 1,584,564 alleles (0.0005%); highest among the groups gnomAD compares: Non-Finnish European, 0.00068%; no homozygotes.

Submissions (2):

Ambry Genetics
Classification: Uncertain significance. Last evaluated: 2025-05-17. Review status: criteria provided, single submitter. Criteria: Ambry Variant Classification Scheme 2023. Collection method: clinical testing. Allele origin: germline.
Comment: The p.N740K variant (also known as c.2220C>A), located in coding exon 15 of the RINT1 gene, results from a C to A substitution at nucleotide position 2220. The asparagine at codon 740 is replaced by lysine, an amino acid with similar properties. This amino acid position is well conserved in available vertebrate species. In addition, this alteration is predicted to be tolerated by in silico analysis. Since supporting evidence is limited at this time, the clinical significance of this alteration remains unclear.

Labcorp Genetics (formerly Invitae), Labcorp
Classification: Uncertain significance. Last evaluated: 2025-05-05. Review status: criteria provided, single submitter. Criteria: Invitae Variant Classification Sherloc (09022015). Collection method: clinical testing. Allele origin: germline.
Comment: This sequence change replaces asparagine, which is neutral and polar, with lysine, which is basic and polar, at codon 740 of the RINT1 protein (p.Asn740Lys). This variant is not present in population databases (gnomAD no frequency). This variant has not been reported in the literature in individuals affected with RINT1-related conditions. ClinVar contains an entry for this variant (Variation ID: 1787918). An algorithm developed to predict the effect of missense changes on protein structure and function (PolyPhen-2) suggests that this variant is likely to be tolerated. Algorithms developed to predict the effect of sequence changes on RNA splicing suggest that this variant may disrupt the consensus splice site. In summary, the available evidence is currently insufficient to determine the role of this variant in disease. Therefore, it has been classified as a Variant of Uncertain Significance.